The following is an entry in ClinVar:

ClinVar aggregate classification (germline): Uncertain significance. Review status: criteria provided, multiple submitters, no conflicts (2 of 4 stars). 2 submissions from 2 submitters: Uncertain significance (2). Last evaluated 2025-09-22.

Conditions:
Cardiovascular phenotype. Identifiers: MedGen CN230736.
Cutis laxa, autosomal recessive, type 1B (ARCL1B). Also called: EFEMP2-Related Cutis Laxa; CUTIS LAXA, AUTOSOMAL RECESSIVE, TYPE IB. Identifiers: Orphanet 90349, MedGen C3280798, MONDO:0013754, OMIM 614437. Disease mechanism: loss of function.

Allele frequency attached by ClinVar (database versions not stated): ExAC 0.00001; gnomAD exomes 0.00002 and 0.00004; TOPMed 0.00002.
gnomAD v4.1: 55 of 1,614,044 alleles (0.0034%); highest among the groups gnomAD compares: Non-Finnish European, 0.0042%; no homozygotes.

Submissions (2):

Ambry Genetics
Classification: Uncertain significance for Cardiovascular phenotype. Last evaluated: 2025-09-22. Review status: criteria provided, single submitter. Criteria: Ambry Variant Classification Scheme 2023. Collection method: clinical testing. Allele origin: germline.

Labcorp Genetics (formerly Invitae), Labcorp
Classification: Uncertain significance for Cutis laxa, autosomal recessive, type 1B. Last evaluated: 2021-08-24. Review status: criteria provided, single submitter. Criteria: Invitae Variant Classification Sherloc (09022015). Collection method: clinical testing. Allele origin: germline.
Comment: This sequence change replaces arginine with histidine at codon 346 of the EFEMP2 protein (p.Arg346His). The arginine residue is highly conserved and there is a small physicochemical difference between arginine and histidine. This variant is present in population databases (rs760786490, ExAC 0.002%). This variant has not been reported in the literature in individuals affected with EFEMP2-related conditions. Algorithms developed to predict the effect of missense changes on protein structure and function (SIFT, PolyPhen-2, Align-GVGD) all suggest that this variant is likely to be disruptive. In summary, the available evidence is currently insufficient to determine the role of this variant in disease. Therefore, it has been classified as a Variant of Uncertain Significance.

NM_016938.5(EFEMP2):c.1037G>A (p.Arg346His)

Gene: EFEMP2 (EGF-like fibulin extracellular matrix protein 2; minus strand). Cytogenetic location: 11q13.1.
Variant type: single nucleotide variant.
Coding change: c.1037G>A on transcript NM_016938.5 (MANE Select); coding-DNA position 1037, G replaced by A.
Protein change: p.Arg346His; replaces arginine 346 with histidine.
Molecular consequence: missense variant. On other transcripts: non-coding transcript variant (1).
Genome position (GRCh38, 1-based): chr11:65,867,994, C>T on the plus strand (G>A on the coding strand, the complement: EFEMP2 is on the minus strand). VCF-style: chr11-65867994-C-T. GRCh37 (hg19) VCF-style: chr11-65635465-C-T.
Other names: short protein forms R346H.
Identifiers: ClinVar variation 1041963 (VCV001041963.9), dbSNP rs760786490, ClinGen allele CA6110433.